The following is an entry in ClinVar:

NM_014140.4(SMARCAL1):c.199C>A (p.His67Asn)

Gene: SMARCAL1 (SNF2 related chromatin remodeling annealing helicase 1; plus strand). Cytogenetic location: 2q35.
Variant type: single nucleotide variant.
Coding change: c.199C>A on transcript NM_014140.4 (MANE Select); coding-DNA position 199, C replaced by A.
Protein change: p.His67Asn; replaces histidine 67 with asparagine.
Molecular consequence: missense variant.
Genome position (GRCh38, 1-based): chr2:216,414,903, C>A. VCF-style: chr2-216414903-C-A. GRCh37 (hg19) VCF-style: chr2-217279626-C-A.
Other names: c.199C>A, p.His67Asn (NM_001127207.2); short protein forms H67N.
Identifiers: ClinVar variation 1377968 (VCV001377968.6), dbSNP rs1693553354, ClinGen allele CA350496759.

ClinVar aggregate classification (germline): Uncertain significance (1 of 4 stars; one submission).

Conditions:
Schimke immuno-osseous dysplasia (SIOD). Also called: Schimke Immunoosseous Dysplasia. Identifiers: Orphanet 1830, MedGen C0877024, MONDO:0009458, OMIM 242900.

Allele frequency attached by ClinVar (database versions not stated): gnomAD exomes below 0.00001; TOPMed below 0.00001.
gnomAD v4.1: 5 of 1,614,210 alleles (0.00031%); highest among the groups gnomAD compares: Non-Finnish European, 0.00042%; no homozygotes.

Submission:

Labcorp Genetics (formerly Invitae), Labcorp
Classification: Uncertain significance for Schimke immuno-osseous dysplasia. Last evaluated: 2021-10-19. Review status: criteria provided, single submitter. Criteria: Invitae Variant Classification Sherloc (09022015). Collection method: clinical testing. Allele origin: germline.
Comment: Algorithms developed to predict the effect of missense changes on protein structure and function (SIFT, PolyPhen-2, Align-GVGD) all suggest that this variant is likely to be tolerated. This variant has not been reported in the literature in individuals affected with SMARCAL1-related conditions. This variant is not present in population databases (ExAC no frequency). This sequence change replaces histidine with asparagine at codon 67 of the SMARCAL1 protein (p.His67Asn). The histidine residue is weakly conserved and there is a small physicochemical difference between histidine and asparagine. In summary, the available evidence is currently insufficient to determine the role of this variant in disease. Therefore, it has been classified as a Variant of Uncertain Significance.